The following is an entry in ClinVar:

ClinVar aggregate classification (germline): Uncertain significance (1 of 4 stars; one submission).

Conditions:
EGFR-related lung cancer (EGFR). Identifiers: MedGen CN130014.

Submission:

Labcorp Genetics (formerly Invitae), Labcorp
Classification: Uncertain significance for EGFR-related lung cancer. Last evaluated: 2024-01-12. Review status: criteria provided, single submitter. Criteria: Invitae Variant Classification Sherloc (09022015). Collection method: clinical testing. Allele origin: germline.
Comment: This sequence change replaces cysteine, which is neutral and slightly polar, with serine, which is neutral and polar, at codon 58 of the EGFR protein (p.Cys58Ser). This variant is not present in population databases (gnomAD no frequency). This variant has not been reported in the literature in individuals affected with EGFR-related conditions. Advanced modeling of protein sequence and biophysical properties (such as structural, functional, and spatial information, amino acid conservation, physicochemical variation, residue mobility, and thermodynamic stability) has been performed at Invitae for this missense variant, however the output from this modeling did not meet the statistical confidence thresholds required to predict the impact of this variant on EGFR protein function. In summary, the available evidence is currently insufficient to determine the role of this variant in disease. Therefore, it has been classified as a Variant of Uncertain Significance.

NM_005228.5(EGFR):c.173G>C (p.Cys58Ser)

Gene: EGFR (epidermal growth factor receptor; plus strand). Cytogenetic location: 7p11.2.
Variant type: single nucleotide variant.
Coding change: c.173G>C on transcript NM_005228.5 (MANE Select); coding-DNA position 173, G replaced by C.
Protein change: p.Cys58Ser; replaces cysteine 58 with serine.
Molecular consequence: missense variant. On other transcripts: intron variant (1).
Genome position (GRCh38, 1-based): chr7:55,142,370, G>C. VCF-style: chr7-55142370-G-C. GRCh37 (hg19) VCF-style: chr7-55210063-G-C.
Other names: c.173G>C, p.Cys58Ser (NM_001346897.2, NM_001346898.2, NM_001346899.2 and 3 more transcripts); c.14G>C, p.Cys5Ser (NM_001346900.2); c.89-13460G>C (NM_001346941.2); short protein forms C5S, C58S.
Identifiers: ClinVar variation 2709093 (VCV002709093.3), dbSNP rs2128926301, ClinGen allele CA367574663.
Genomic context (GRCh38, chr7:55,142,370, plus strand): 5'-TCACGCAGTTGGGCACTTTTGAAGATCATTTTCTCAGCCTCCAGAGGATGTTCAATAACT[G>C]TGAGGTGGTCCTTGGGAATTTGGAAATTACCTATGTGCAGAGGAATTATGATCTTTCCTT-3'
Protein context (NP_005219.2, residues 48-68): FLSLQRMFNN[Cys58Ser]EVVLGNLEIT